The following is an entry in ClinVar:

ClinVar aggregate classification (germline): Uncertain significance (1 of 4 stars; one submission).

gnomAD v4.1: 1 of 1,203,592 alleles (0.000083%); highest among the groups gnomAD compares: African/African-American, 0.0018%; no homozygotes.

Submission:

GeneDx
Classification: Uncertain significance. Last evaluated: 2024-07-08. Review status: criteria provided, single submitter. Criteria: GeneDx Variant Classification Process June 2021. Collection method: clinical testing. Allele origin: germline. Affected: yes.
Comment: Not observed at significant frequency in large population cohorts (gnomAD); In silico analysis supports that this missense variant has a deleterious effect on protein structure/function; Has not been previously published as pathogenic or benign to our knowledge

NM_001123385.2(BCOR):c.283G>A (p.Gly95Arg)

Gene: BCOR (BCL6 corepressor; minus strand). Cytogenetic location: Xp11.4.
Variant type: single nucleotide variant.
Coding change: c.283G>A on transcript NM_001123385.2 (MANE Select); coding-DNA position 283, G replaced by A.
Protein change: p.Gly95Arg; replaces glycine 95 with arginine.
Molecular consequence: missense variant.
Genome position (GRCh38, 1-based): chrX:40,075,063, C>T on the plus strand (G>A on the coding strand, the complement: BCOR is on the minus strand). VCF-style: chrX-40075063-C-T. GRCh37 (hg19) VCF-style: chrX-39934316-C-T.
Other names: c.283G>A, p.Gly95Arg (NM_001123383.2, NM_001123384.2, NM_017745.6); short protein forms G95R.
Identifiers: ClinVar variation 3572671 (VCV003572671.1).